The following is an entry in ClinVar:

ClinVar aggregate classification (germline): Uncertain significance (1 of 4 stars; one submission).

Conditions:
Hereditary cancer-predisposing syndrome. Also called: Tumor predisposition; Neoplastic Syndromes, Hereditary; Hereditary Cancer Syndrome; Hereditary neoplastic syndrome. Identifiers: Orphanet 140162, MedGen C0027672, MeSH D009386, MONDO:0015356.

Submission:

Ambry Genetics
Classification: Uncertain significance for Hereditary cancer-predisposing syndrome. Last evaluated: 2024-07-23. Review status: criteria provided, single submitter. Criteria: Ambry Variant Classification Scheme 2023. Collection method: clinical testing. Allele origin: germline.
Comment: The p.E767D variant (also known as c.2301G>T), located in coding exon 15 of the BRIP1 gene, results from a G to T substitution at nucleotide position 2301. The glutamic acid at codon 767 is replaced by aspartic acid, an amino acid with highly similar properties. This amino acid position is highly conserved in available vertebrate species. In addition, this alteration is predicted to be deleterious by in silico analysis. Based on the available evidence, the clinical significance of this variant remains unclear.

NM_032043.3(BRIP1):c.2301G>T (p.Glu767Asp)

Gene: BRIP1 (BRCA1 interacting DNA helicase 1; minus strand). Cytogenetic location: 17q23.2.
Variant type: single nucleotide variant.
Coding change: c.2301G>T on transcript NM_032043.3 (MANE Select); coding-DNA position 2301, G replaced by T.
Protein change: p.Glu767Asp; replaces glutamic acid 767 with aspartic acid.
Molecular consequence: missense variant.
Genome position (GRCh38, 1-based): chr17:61,743,091, C>A on the plus strand (G>T on the coding strand, the complement: BRIP1 is on the minus strand). VCF-style: chr17-61743091-C-A. GRCh37 (hg19) VCF-style: chr17-59820452-C-A.
Other names: short protein forms E767D.
Identifiers: ClinVar variation 3482429 (VCV003482429.1).